The following is an entry in ClinVar:

ClinVar aggregate classification (germline): Likely benign. Review status: criteria provided, multiple submitters, no conflicts (2 of 4 stars). 4 submissions from 4 submitters: Likely benign (4). Last evaluated 2023-07-24.

Conditions:
Hereditary cancer-predisposing syndrome. Also called: Neoplastic Syndromes, Hereditary; Hereditary Cancer Syndrome; Hereditary neoplastic syndrome; Tumor predisposition. Identifiers: Orphanet 140162, MedGen C0027672, MeSH D009386, MONDO:0015356.
Familial adenomatous polyposis 2. Also called: ADENOMAS, MULTIPLE COLORECTAL, AUTOSOMAL RECESSIVE; MYH-associated polyposis; Adenomas, multiple colorectal; MUTYH Polyposis; COLORECTAL ADENOMATOUS POLYPOSIS, AUTOSOMAL RECESSIVE; FAP type 2. Identifiers: Orphanet 220460, Orphanet 247798, MedGen C3272841, MONDO:0012041, OMIM 608456.

Allele frequency attached by ClinVar (database versions not stated): gnomAD exomes below 0.00001.
gnomAD v4.1: 1 of 1,614,210 alleles (0.000062%); highest among the groups gnomAD compares: South Asian, 0.0011%; no homozygotes.

Submissions (4):

Labcorp Genetics (formerly Invitae), Labcorp
Classification: Likely benign for Familial adenomatous polyposis 2. Last evaluated: 2023-07-24. Review status: criteria provided, single submitter. Criteria: Invitae Variant Classification Sherloc (09022015). Collection method: clinical testing. Allele origin: germline.

KCCC/NGS Laboratory, Kuwait Cancer Control Center
Classification: Likely benign for Familial adenomatous polyposis 2. Last evaluated: 2023-07-07. Review status: criteria provided, single submitter. Criteria: ACMG Guidelines, 2015. Collection method: clinical testing. Allele origin: germline. Affected: yes.

Ambry Genetics
Classification: Likely benign for Hereditary cancer-predisposing syndrome. Last evaluated: 2017-06-30. Review status: criteria provided, single submitter. Criteria: Ambry Variant Classification Scheme 2023. Collection method: clinical testing. Allele origin: germline.

GeneDx
Classification: Likely benign. Last evaluated: 2015-10-27. Review status: criteria provided, single submitter. Criteria: GeneDx Variant Classification (06012015). Collection method: clinical testing. Allele origin: germline. Affected: yes.
Comment: This variant is considered likely benign or benign based on one or more of the following criteria: it is a conservative change, it occurs at a poorly conserved position in the protein, it is predicted to be benign by multiple in silico algorithms, and/or has population frequency not consistent with disease.

NM_001048174.2(MUTYH):c.252A>G (p.Pro84=)

Gene: MUTYH (mutY DNA glycosylase; minus strand). Cytogenetic location: 1p34.1.
Variant type: single nucleotide variant.
Coding change: c.252A>G on transcript NM_001048174.2 (MANE Select); coding-DNA position 252, A replaced by G.
Protein change: p.Pro84=; no amino-acid change (proline 84 retained).
Molecular consequence: synonymous variant. On other transcripts: 5 prime UTR variant (4), non-coding transcript variant (2).
Genome position (GRCh38, 1-based): chr1:45,333,425, T>C on the plus strand (A>G on the coding strand, the complement: MUTYH is on the minus strand). VCF-style: chr1-45333425-T-C. GRCh37 (hg19) VCF-style: chr1-45799097-T-C.
Other names: c.252A>G, p.Pro84= (NM_001048171.2, NM_001048173.2, NM_001293195.2); c.255A>G, p.Pro85= (NM_001048172.2); c.336A>G, p.Pro112= (NM_001128425.2); c.297A>G, p.Pro99= (NM_001293190.2); c.285A>G, p.Pro95= (NM_001293191.2); c.-25A>G (NM_001293192.2, NM_001293196.2); c.-20A>G (NM_001350650.2, NM_001350651.2); c.327A>G, p.Pro109= (NM_012222.3).
Identifiers: ClinVar variation 381227 (VCV000381227.14), dbSNP rs1057520980, ClinGen allele CA16603711.